The following is an entry in ClinVar:

ClinVar aggregate classification (germline): Uncertain significance (1 of 4 stars; one submission).

Conditions:
Inborn genetic diseases. Identifiers: MedGen C0950123, MeSH D030342.

Submission:

Ambry Genetics
Classification: Uncertain significance for Inborn genetic diseases. Last evaluated: 2026-07-28. Review status: criteria provided, single submitter. Criteria: Ambry Variant Classification Scheme 2023. Collection method: clinical testing. Allele origin: germline.
Comment: The p.N1318H variant (also known as c.3952A>C), located in coding exon 27 of the ANKRD26 gene, results from an A to C substitution at nucleotide position 3952. The asparagine at codon 1318 is replaced by histidine, an amino acid with similar properties. This amino acid position is conserved. In addition, this alteration is predicted to be tolerated by in silico analysis. Based on the available evidence, the clinical significance of this variant remains unclear.

NM_014915.3(ANKRD26):c.3952A>C (p.Asn1318His)

Gene: ANKRD26 (ankyrin repeat domain 26; minus strand). Cytogenetic location: 10p12.1.
Variant type: single nucleotide variant.
Coding change: c.3952A>C on transcript NM_014915.3 (MANE Select); coding-DNA position 3952, A replaced by C.
Protein change: p.Asn1318His; replaces asparagine 1318 with histidine.
Molecular consequence: missense variant.
Genome position (GRCh38, 1-based): chr10:27,028,872, T>G on the plus strand (A>C on the coding strand, the complement: ANKRD26 is on the minus strand). VCF-style: chr10-27028872-T-G. GRCh37 (hg19) VCF-style: chr10-27317801-T-G.
Other names: c.3949A>C, p.Asn1317His (NM_001256053.2); short protein forms N1317H, N1318H.
Identifiers: ClinVar variation 5023352 (VCV005023352.1).